The following is an entry in ClinVar:

NM_001830.4(CLCN4):c.2174G>A (p.Cys725Tyr)

Gene: CLCN4 (chloride voltage-gated channel 4; plus strand). Cytogenetic location: Xp22.2.
Variant type: single nucleotide variant.
Coding change: c.2174G>A on transcript NM_001830.4 (MANE Select); coding-DNA position 2174, G replaced by A.
Protein change: p.Cys725Tyr; replaces cysteine 725 with tyrosine.
Molecular consequence: missense variant.
Genome position (GRCh38, 1-based): chrX:10,220,859, G>A. VCF-style: chrX-10220859-G-A. GRCh37 (hg19) VCF-style: chrX-10188899-G-A.
Other names: c.1892G>A, p.Cys631Tyr (NM_001256944.2); short protein forms C631Y, C725Y.
Identifiers: ClinVar variation 1314816 (VCV001314816.2), dbSNP rs2147187723, ClinGen allele CA412044928.

ClinVar aggregate classification (germline): Uncertain significance (1 of 4 stars; one submission).

Submission:

GeneDx
Classification: Uncertain significance. Last evaluated: 2021-04-27. Review status: criteria provided, single submitter. Criteria: GeneDx Variant Classification Process June 2021. Collection method: clinical testing. Allele origin: germline. Affected: yes.
Comment: Not observed in large population cohorts (Lek et al., 2016); In silico analysis supports that this missense variant has a deleterious effect on protein structure/function; Has not been previously published as pathogenic or benign to our knowledge